The following is an entry in ClinVar:

NC_000016.10:g.(?_8735720)_(10180431_?)dup

Genes: ABAT (4-aminobutyrate aminotransferase; plus strand), HAPSTR1 (HUWE1 associated protein modifying stress responses; plus strand), CARHSP1 (calcium regulated heat stable protein 1; minus strand), TMEM186 (transmembrane protein 186; minus strand), USP7 (ubiquitin specific peptidase 7; minus strand) and 2 more. Cytogenetic location: 16p13.2.
Variant type: Duplication.
Identifiers: ClinVar variation 831382 (VCV000831382.1).

ClinVar aggregate classification (germline): Uncertain significance (1 of 4 stars; one submission).

Conditions:
Gamma-aminobutyric acid transaminase deficiency (GABATD). Also called: GABA transaminase deficiency; Gamma aminobutyrate transaminase deficiency; 4 alpha aminobutyrate transaminase deficiency; GABA aminotransaminase deficiency. Identifiers: Orphanet 2066, MedGen C0342708, MONDO:0013166, OMIM 613163.

Submission:

Labcorp Genetics (formerly Invitae), Labcorp
Classification: Uncertain significance for Gamma-aminobutyric acid transaminase deficiency. Last evaluated: 2019-08-14. Review status: criteria provided, single submitter. Criteria: Invitae Variant Classification Sherloc (09022015). Collection method: clinical testing. Allele origin: germline.
Comment: This variant results in a copy number gain of the genomic region encompassing the full coding sequence of the ABAT gene. The boundaries of this event are unknown as they extend beyond the assayed region for this gene and therefore may encompass additional genes. As the precise location of this event is unknown, it may be in tandem or it may be located elsewhere in the genome. This variant has not been reported in the literature in individuals with ABAT-related conditions. In summary, the available evidence is currently insufficient to determine the role of this variant in disease. Therefore, it has been classified as a Variant of Uncertain Significance.